The following is an entry in ClinVar:

NM_014845.6(FIG4):c.1923G>A (p.Lys641=)

Gene: FIG4 (FIG4 phosphoinositide 5-phosphatase; plus strand). Cytogenetic location: 6q21.
Variant type: single nucleotide variant.
Coding change: c.1923G>A on transcript NM_014845.6 (MANE Select); coding-DNA position 1923, G replaced by A.
Protein change: p.Lys641=; no amino-acid change (lysine 641 retained).
Molecular consequence: synonymous variant.
Genome position (GRCh38, 1-based): chr6:109,785,003, G>A. VCF-style: chr6-109785003-G-A. GRCh37 (hg19) VCF-style: chr6-110106206-G-A.
Identifiers: ClinVar variation 476853 (VCV000476853.10), dbSNP rs140078026, ClinGen allele CA3956230.

ClinVar aggregate classification (germline): Likely benign. Review status: criteria provided, multiple submitters, no conflicts (2 of 4 stars). 2 submissions from 2 submitters: Likely benign (2). Last evaluated 2026-09-21.

Conditions:
FIG4-related disorder. Also called: FIG4-related condition; FIG4-related disorders.
Charcot-Marie-Tooth disease type 4. Also called: Charcot-Marie-Tooth disease, type IV; Charcot-Marie-Tooth, Type 4. Identifiers: Orphanet 64749, MedGen C4082197, MONDO:0018995.

Allele frequency attached by ClinVar (database versions not stated): gnomAD exomes 0.00001 and 0.00004; ExAC 0.00004; gnomAD 0.00011 and 0.00012; TOPMed 0.00013; ESP Exome Variant Server 0.00015; 1000 Genomes Project 30x 0.00016; 1000 Genomes Project 0.00020.

Submissions (2):

PreventionGenetics, part of Exact Sciences
Classification: Likely benign for FIG4-related condition. Last evaluated: 2026-09-21. Review status: criteria provided, single submitter. Criteria: ACMG Guidelines, 2015. Collection method: clinical testing. Allele origin: germline.
Comment: This variant is classified as likely benign based on ACMG/AMP sequence variant interpretation guidelines (Richards et al. 2015 PMID: 25741868, with internal and published modifications).

Labcorp Genetics (formerly Invitae), Labcorp
Classification: Likely benign for Charcot-Marie-Tooth disease type 4. Last evaluated: 2025-02-26. Review status: criteria provided, single submitter. Criteria: Invitae Variant Classification Sherloc (09022015). Collection method: clinical testing. Allele origin: germline.